The following is an entry in ClinVar:

NM_001805.4(CEBPE):c.740G>A (p.Arg247His)

Gene: CEBPE (CCAAT enhancer binding protein epsilon; minus strand). Cytogenetic location: 14q11.2.
Variant type: single nucleotide variant.
Coding change: c.740G>A on transcript NM_001805.4 (MANE Select); coding-DNA position 740, G replaced by A.
Protein change: p.Arg247His; replaces arginine 247 with histidine.
Molecular consequence: missense variant.
Genome position (GRCh38, 1-based): chr14:23,117,593, C>T on the plus strand (G>A on the coding strand, the complement: CEBPE is on the minus strand). VCF-style: chr14-23117593-C-T. GRCh37 (hg19) VCF-style: chr14-23586802-C-T.
Other names: short protein forms R247H.
Identifiers: ClinVar variation 1363073 (VCV001363073.5), dbSNP rs1348809504, ClinGen allele CA388951793.

ClinVar aggregate classification (germline): Uncertain significance (1 of 4 stars; one submission).

Conditions:
Specific granule deficiency. Identifiers: Orphanet 169142, MedGen C0398593, MONDO:0009506.

Allele frequency attached by ClinVar (database versions not stated): TOPMed below 0.00001; gnomAD 0.00001; gnomAD exomes 0.00001.

Submission:

Labcorp Genetics (formerly Invitae), Labcorp
Classification: Uncertain significance for Specific granule deficiency. Last evaluated: 2024-05-16. Review status: criteria provided, single submitter. Criteria: Invitae Variant Classification Sherloc (09022015). Collection method: clinical testing. Allele origin: germline.
Comment: This sequence change replaces arginine, which is basic and polar, with histidine, which is basic and polar, at codon 247 of the CEBPE protein (p.Arg247His). This variant is present in population databases (no rsID available, gnomAD 0.02%). This variant has not been reported in the literature in individuals affected with CEBPE-related conditions. ClinVar contains an entry for this variant (Variation ID: 1363073). An algorithm developed to predict the effect of missense changes on protein structure and function (PolyPhen-2) suggests that this variant is likely to be disruptive. In summary, the available evidence is currently insufficient to determine the role of this variant in disease. Therefore, it has been classified as a Variant of Uncertain Significance.